The following is an entry in ClinVar:

ClinVar aggregate classification (germline): Uncertain significance (1 of 4 stars; one submission).

Conditions:
Inborn genetic diseases. Identifiers: MedGen C0950123, MeSH D030342.

Allele frequency attached by ClinVar (database versions not stated): gnomAD 0.00001.
gnomAD v4.1: 3 of 1,613,914 alleles (0.00019%); highest among the groups gnomAD compares: East Asian, 0.0045%; no homozygotes.

Submission:

Ambry Genetics
Classification: Uncertain significance for Inborn genetic diseases. Last evaluated: 2020-12-10. Review status: criteria provided, single submitter. Criteria: Ambry Variant Classification Scheme 2023. Collection method: clinical testing. Allele origin: germline.
Comment: The c.331G>C (p.G111R) alteration is located in exon 3 (coding exon 3) of the RTTN gene. This alteration results from a G to C substitution at nucleotide position 331, causing the glycine (G) at amino acid position 111 to be replaced by an arginine (R). The p.G111R alteration is predicted to be tolerated by in silico analysis. Based on insufficient or conflicting evidence, the clinical significance of this alteration remains unclear.

NM_173630.4(RTTN):c.331G>C (p.Gly111Arg)

Gene: RTTN (rotatin; minus strand). Cytogenetic location: 18q22.2.
Variant type: single nucleotide variant.
Coding change: c.331G>C on transcript NM_173630.4 (MANE Select); coding-DNA position 331, G replaced by C.
Protein change: p.Gly111Arg; replaces glycine 111 with arginine.
Molecular consequence: missense variant. On other transcripts: 5 prime UTR variant (1).
Genome position (GRCh38, 1-based): chr18:70,204,152, C>G on the plus strand (G>C on the coding strand, the complement: RTTN is on the minus strand). VCF-style: chr18-70204152-C-G. GRCh37 (hg19) VCF-style: chr18-67871388-C-G.
Other names: c.-2223G>C (NM_001318520.2); short protein forms G111R.
Identifiers: ClinVar variation 2228153 (VCV002228153.2), dbSNP rs764086082, ClinGen allele CA402700868.